The following is an entry in ClinVar:

NM_001111125.3(IQSEC2):c.2007C>T (p.Gly669=)

Gene: IQSEC2 (IQ motif and Sec7 domain ArfGEF 2; minus strand). Cytogenetic location: Xp11.22.
Variant type: single nucleotide variant.
Coding change: c.2007C>T on transcript NM_001111125.3 (MANE Select); coding-DNA position 2007, C replaced by T.
Protein change: p.Gly669=; no amino-acid change (glycine 669 retained).
Molecular consequence: synonymous variant.
Genome position (GRCh38, 1-based): chrX:53,250,569, G>A on the plus strand (C>T on the coding strand, the complement: IQSEC2 is on the minus strand). VCF-style: chrX-53250569-G-A. GRCh37 (hg19) VCF-style: chrX-53279751-G-A.
Other names: c.1392C>T, p.Gly464= (NM_015075.2); c.2007C>T (NM_001111125.2).
Identifiers: ClinVar variation 511515 (VCV000511515.15), dbSNP rs782769823, ClinGen allele CA10419989.

ClinVar aggregate classification (germline): Benign/Likely benign. Review status: criteria provided, multiple submitters, no conflicts (2 of 4 stars). 4 submissions from 4 submitters: Benign (1); Likely benign (2). 1 of the submissions does not count toward it. Last evaluated 2026-08-01.

Conditions:
IQSEC2-related disorder. Also called: IQSEC2-related condition.
Intellectual developmental disorder, X-linked 1. Also called: MENTAL RETARDATION, X-LINKED 18; MENTAL RETARDATION, X-LINKED 78; Intellectual disability, X-linked 1; Atkin Flaitz Patil Smith syndrome. Identifiers: Orphanet 777, MedGen C2931498, MONDO:0010656, OMIM 309530.

Allele frequency attached by ClinVar (database versions not stated): TOPMed below 0.00001; gnomAD exomes 0.00004 and 0.00014; ExAC 0.00014; 1000 Genomes Project 30x 0.00062; 1000 Genomes Project 0.00079; gnomAD 0.00004.
gnomAD v4.1: 55 of 1,209,800 alleles (0.0045%); highest among the groups gnomAD compares: South Asian, 0.086%; no homozygotes.

Submissions (4):

CeGaT Center for Human Genetics Tuebingen
Classification: Likely benign. Last evaluated: 2026-08-01. Review status: criteria provided, single submitter. Criteria: CeGaT Center For Human Genetics Tuebingen Variant Classification Criteria Version 2. Collection method: clinical testing. Allele origin: germline. Affected: yes. Observed: 1 variant allele.
Comment: IQSEC2: BP4, BP7, BS2

Labcorp Genetics (formerly Invitae), Labcorp
Classification: Benign for Intellectual developmental disorder, X-linked 1. Last evaluated: 2024-07-19. Review status: criteria provided, single submitter. Criteria: Invitae Variant Classification Sherloc (09022015). Collection method: clinical testing. Allele origin: germline.

GeneDx
Classification: Likely benign. Last evaluated: 2018-07-25. Review status: criteria provided, single submitter. Criteria: GeneDx Variant Classification Process June 2021. Collection method: clinical testing. Allele origin: germline. Affected: yes.

PreventionGenetics, part of Exact Sciences
Classification: Likely benign for IQSEC2-related condition. Last evaluated: 2019-03-28. Review status: no assertion criteria provided. Collection method: clinical testing. Allele origin: germline. Not counted in ClinVar's aggregate classification.
Comment: This variant is classified as likely benign based on ACMG/AMP sequence variant interpretation guidelines (Richards et al. 2015 PMID: 25741868, with internal and published modifications).